The following is an entry in ClinVar:

NM_006005.3(WFS1):c.2027G>A (p.Arg676His)

Gene: WFS1 (wolframin ER transmembrane glycoprotein; plus strand). Cytogenetic location: 4p16.1.
Variant type: single nucleotide variant.
Coding change: c.2027G>A on transcript NM_006005.3 (MANE Select); coding-DNA position 2027, G replaced by A.
Protein change: p.Arg676His; replaces arginine 676 with histidine.
Molecular consequence: missense variant.
Genome position (GRCh38, 1-based): chr4:6,301,822, G>A. VCF-style: chr4-6301822-G-A. GRCh37 (hg19) VCF-style: chr4-6303549-G-A.
Other names: c.2027G>A, p.Arg676His (NM_001145853.1); short protein forms R676H.
Identifiers: ClinVar variation 426907 (VCV000426907.17), dbSNP rs143055296, ClinGen allele CA2839577.
Genomic context (GRCh38, chr4:6,301,822, plus strand): 5'-GCATGAAGGTCTACAACTCCACACTGACCTGGCAGCAGTATGGTGCGCTGTGCGGGCCAC[G>A]CGCCTGGAAGGAGACCAACATGGCGCGCACCCAGATCCTCTGCAGCCACCTGGAGGGCCA-3'
Protein context (NP_005996.2, residues 666-686): WQQYGALCGP[Arg676His]AWKETNMART

ClinVar aggregate classification (germline): Conflicting classifications of pathogenicity. Review status: criteria provided, conflicting classifications (1 of 4 stars). 6 submissions from 6 submitters: Uncertain significance (5); Likely benign (1). Last evaluated 2026-08-10.

Conditions:
WFS1-related disorder. Identifiers: MedGen CN379391, MONDO:0700293.
Wolfram-like syndrome. Also called: HEARING LOSS, PROGRESSIVE, WITH OPTIC ATROPHY AND/OR IMPAIRED GLUCOSE REGULATION. Identifiers: Orphanet 411590, MedGen C3280358, MONDO:0013673, OMIM 614296.
Cataract 41 (CTRCT41). Also called: CATARACT 41, CONGENITAL NUCLEAR TYPE. Identifiers: Orphanet 91492, Orphanet 98991, Orphanet 98992, Orphanet 98995, MedGen C3805412, MONDO:0007287, OMIM 116400.
Type 2 diabetes mellitus. Also called: Type II diabetes mellitus. Identifiers: MedGen C0011860, MeSH D003924, MONDO:0005148, OMIM 125853, HP:0005978.
Autosomal dominant nonsyndromic hearing loss 6 (LFSNHL). Also called: DEAFNESS, AUTOSOMAL DOMINANT 6; DEAFNESS, AUTOSOMAL DOMINANT 14; DEAFNESS, AUTOSOMAL DOMINANT 38; Autosomal dominant nonsyndromic deafness 6. Identifiers: Orphanet 90635, MedGen C1833021, MONDO:0010963, OMIM 600965.
Wolfram syndrome 1 (WFS1). Identifiers: Orphanet 3463, MedGen C4551693, MONDO:0009101, OMIM 222300.

Allele frequency attached by ClinVar (database versions not stated): 1000 Genomes Project 30x 0.00016; 1000 Genomes Project 0.00020; TOPMed 0.00004.
gnomAD v4.1: 69 of 1,613,152 alleles (0.0043%); highest among the groups gnomAD compares: Admixed American, 0.0067%; no homozygotes.

Submissions (6):

PreventionGenetics, part of Exact Sciences
Classification: Uncertain significance for WFS1-related condition. Last evaluated: 2026-08-10. Review status: criteria provided, single submitter. Criteria: ACMG Guidelines, 2015. Collection method: clinical testing. Allele origin: germline.
Comment: The WFS1 c.2027G>A variant is predicted to result in the amino acid substitution p.Arg676His. This variant was reported in an individual with hearing loss (Table S4, Moteki et al. 2015. PubMed ID: 26346818; Table S2, Usami et al. 2021. PubMed ID: 34599366). This variant is reported in 0.019% of alleles in individuals of European (Finnish) descent in gnomAD. At this time, the clinical significance of this variant is uncertain due to the absence of conclusive functional and genetic evidence.

Labcorp Genetics (formerly Invitae), Labcorp
Classification: Likely benign. Last evaluated: 2025-09-07. Review status: criteria provided, single submitter. Criteria: Invitae Variant Classification Sherloc (09022015). Collection method: clinical testing. Allele origin: germline.

Blueprint Genetics
Classification: Uncertain significance. Last evaluated: 2024-10-09. Review status: criteria provided, single submitter. Criteria: ACMG Guidelines, 2015. Collection method: clinical testing. Allele origin: germline.

Fulgent Genetics
Classification: Uncertain significance for Cataract 41; Type 2 diabetes mellitus; Wolfram syndrome 1; Autosomal dominant nonsyndromic hearing loss 6; Wolfram-like syndrome. Last evaluated: 2024-06-11. Review status: criteria provided, single submitter. Criteria: ACMG Guidelines, 2015. Collection method: clinical testing. Allele origin: germline.

Institute for Clinical Genetics, University Hospital TU Dresden, University Hospital TU Dresden
Classification: Uncertain significance. Last evaluated: 2021-11-03. Review status: criteria provided, single submitter. Criteria: ACMG Guidelines, 2015. Collection method: clinical testing. Allele origin: germline.

GeneDx
Classification: Uncertain significance. Last evaluated: 2021-09-08. Review status: criteria provided, single submitter. Criteria: GeneDx Variant Classification Process June 2021. Collection method: clinical testing. Allele origin: germline. Affected: yes.
Comment: Observed in patients with hearing loss in published literature (Moteki H et al., 2016; Kobayashi M et al., 2018); Not observed at significant frequency in large population cohorts (Lek et al., 2016); In silico analysis supports that this missense variant does not alter protein structure/function; This variant is associated with the following publications: (PMID: 29529044, 26346818)